The following is an entry in ClinVar:

NM_004984.4(KIF5A):c.3G>A (p.Met1Ile)

Gene: KIF5A (kinesin family member 5A; plus strand). Cytogenetic location: 12q13.3.
Variant type: single nucleotide variant.
Coding change: c.3G>A on transcript NM_004984.4 (MANE Select); coding-DNA position 3, G replaced by A.
Protein change: p.Met1Ile; changes the start codon (methionine 1).
Molecular consequence: missense variant, initiator codon variant.
Genome position (GRCh38, 1-based): chr12:57,550,274, G>A. VCF-style: chr12-57550274-G-A. GRCh37 (hg19) VCF-style: chr12-57944057-G-A.
Other names: c.3G>A, p.Met1Ile (NM_001354705.2); short protein forms M1I.
Identifiers: ClinVar variation 2123684 (VCV002123684.5), dbSNP rs2540481290, ClinGen allele CA385495561.
Genomic context (GRCh38, chr12:57,550,274, plus strand): 5'-GGAGCACACACCACCCCTGCAGCCCAAGAAGAGTCCCAGCCCCACGCCGGCTACCACCAT[G>A]GCGGAGACCAACAACGAATGTAGCATCAAGGTGCTCTGCCGATTCCGGCCCCTGAACCAG-3'
Protein context (NP_004975.2, residues 1-11): [Met1Ile]AETNNECSIK

ClinVar aggregate classification (germline): Uncertain significance (1 of 4 stars; one submission).

Conditions:
Spastic paraplegia. Identifiers: MedGen C0037772, HP:0001258.

Submission:

Labcorp Genetics (formerly Invitae), Labcorp
Classification: Uncertain significance for Spastic paraplegia. Last evaluated: 2022-06-28. Review status: criteria provided, single submitter. Criteria: Invitae Variant Classification Sherloc (09022015). Collection method: clinical testing. Allele origin: germline.
Comment: In summary, the available evidence is currently insufficient to determine the role of this variant in disease. Therefore, it has been classified as a Variant of Uncertain Significance. Experimental studies and prediction algorithms are not available or were not evaluated, and the functional significance of this variant is currently unknown. This variant has not been reported in the literature in individuals affected with KIF5A-related conditions. This variant is not present in population databases (gnomAD no frequency). This sequence change affects the initiator methionine of the KIF5A mRNA. The next in-frame methionine is located at codon 68.